The following is an entry in ClinVar:

NM_198578.4(LRRK2):c.6110G>T (p.Gly2037Val)

Gene: LRRK2 (leucine rich repeat kinase 2; plus strand). Cytogenetic location: 12q12.
Variant type: single nucleotide variant.
Coding change: c.6110G>T on transcript NM_198578.4 (MANE Select); coding-DNA position 6110, G replaced by T.
Protein change: p.Gly2037Val; replaces glycine 2037 with valine.
Molecular consequence: missense variant.
Genome position (GRCh38, 1-based): chr12:40,346,753, G>T. VCF-style: chr12-40346753-G-T. GRCh37 (hg19) VCF-style: chr12-40740555-G-T.
Other names: short protein forms G2037V.
Identifiers: ClinVar variation 3540603 (VCV003540603.1).
Genomic context (GRCh38, chr12:40,346,753, plus strand): 5'-TCCTTGGATGTATGAGCCCTGATGTTGGTCATATTTATTATTTTATCTGCTTACTTTCAG[G>T]GTTTCGTGCACCTGAAGTTGCCAGAGGAAATGTCATTTATAACCAACAGGCTGATGTTTA-3'
Protein context (NP_940980.4, residues 2027-2047): MGIKTSEGTP[Gly2037Val]FRAPEVARGN

ClinVar aggregate classification (germline): Uncertain significance (1 of 4 stars; one submission).

Conditions:
Inborn genetic diseases. Identifiers: MedGen C0950123, MeSH D030342.

Submission:

Ambry Genetics
Classification: Uncertain significance for Inborn genetic diseases. Last evaluated: 2024-08-03. Review status: criteria provided, single submitter. Criteria: Ambry Variant Classification Scheme 2023. Collection method: clinical testing. Allele origin: germline.
Comment: The p.G2037V variant (also known as c.6110G>T) is located in coding exon 42 of the LRRK2 gene. The glycine at codon 2037 is replaced by valine, an amino acid with dissimilar properties. This change occurs in the first base pair of coding exon 42. This amino acid position is conserved. In addition, this alteration is predicted to be deleterious by in silico analysis. Based on the available evidence, the clinical significance of this variant remains unclear.